The following is an entry in ClinVar:

ClinVar aggregate classification (germline): Uncertain significance (1 of 4 stars; one submission).

Conditions:
Duchenne muscular dystrophy (DMD). Also called: MUSCULAR DYSTROPHY, PSEUDOHYPERTROPHIC PROGRESSIVE, DUCHENNE TYPE; Duchenne Muscular Dystrophy (DMD). Identifiers: Orphanet 98896, MedGen C0013264, MONDO:0010679, OMIM 310200.

Submission:

Labcorp Genetics (formerly Invitae), Labcorp
Classification: Uncertain significance for Duchenne muscular dystrophy. Last evaluated: 2024-04-14. Review status: criteria provided, single submitter. Criteria: Invitae Variant Classification Sherloc (09022015). Collection method: clinical testing. Allele origin: germline.
Comment: This sequence change replaces serine, which is neutral and polar, with threonine, which is neutral and polar, at codon 2652 of the DMD protein (p.Ser2652Thr). This variant is not present in population databases (gnomAD no frequency). This variant has not been reported in the literature in individuals affected with DMD-related conditions. Advanced modeling of protein sequence and biophysical properties (such as structural, functional, and spatial information, amino acid conservation, physicochemical variation, residue mobility, and thermodynamic stability) performed at Invitae indicates that this missense variant is not expected to disrupt DMD protein function with a negative predictive value of 95%. In summary, the available evidence is currently insufficient to determine the role of this variant in disease. Therefore, it has been classified as a Variant of Uncertain Significance.

NM_004006.3(DMD):c.7954T>A (p.Ser2652Thr)

Gene: DMD (dystrophin; minus strand). Cytogenetic location: Xp21.1.
Variant type: single nucleotide variant.
Coding change: c.7954T>A on transcript NM_004006.3 (MANE Select); coding-DNA position 7954, T replaced by A.
Protein change: p.Ser2652Thr; replaces serine 2652 with threonine.
Molecular consequence: missense variant.
Genome position (GRCh38, 1-based): chrX:31,658,063, A>T on the plus strand (T>A on the coding strand, the complement: DMD is on the minus strand). VCF-style: chrX-31658063-A-T. GRCh37 (hg19) VCF-style: chrX-31676180-A-T.
Other names: c.7930T>A, p.Ser2644Thr (NM_000109.4); c.7942T>A, p.Ser2648Thr (NM_004009.3); c.7585T>A, p.Ser2529Thr (NM_004010.3); c.3931T>A, p.Ser1311Thr (NM_004011.4); c.3922T>A, p.Ser1308Thr (NM_004012.4); c.574T>A, p.Ser192Thr (NM_004013.3, NM_004020.4, NM_004021.3 and 2 more transcripts); short protein forms S2648T, S192T, S1308T, S1311T, S2644T, S2652T, S2529T.
Identifiers: ClinVar variation 3703447 (VCV003703447.2).